The following is an entry in ClinVar:

ClinVar aggregate classification (germline): Uncertain significance. Review status: criteria provided, single submitter (1 of 4 stars). 2 submissions from 2 submitters: Uncertain significance (1). 1 of the submissions does not count toward it. Last evaluated 2025-11-26.

Allele frequency attached by ClinVar (database versions not stated): gnomAD 0.00004; TOPMed 0.00005; gnomAD exomes 0.00006 and 0.00003; ESP Exome Variant Server 0.00015; ExAC 0.00004.
gnomAD v4.1: 95 of 1,614,036 alleles (0.0059%); highest among the groups gnomAD compares: Non-Finnish European, 0.0075%; no homozygotes.

Submissions (2):

Ambry Genetics
Classification: Uncertain significance. Last evaluated: 2025-11-26. Review status: criteria provided, single submitter. Criteria: Ambry Variant Classification Scheme 2023. Collection method: clinical testing. Allele origin: germline.

Department of Pathology and Laboratory Medicine, Sinai Health System
Classification: Uncertain significance. Review status: no assertion criteria provided. Collection method: clinical testing. Allele origin: unknown. Affected: yes. Study: The Canadian Open Genetics Repository (COGR). Not counted in ClinVar's aggregate classification.
Comment: The NUP214 p.Pro479Ser variant was not identified in the literature nor was it identified in ClinVar. The variant was identified in dbSNP (ID: rs148833862) and in control databases in 9 of 282630 chromosomes at a frequency of 0.00003184 (Genome Aggregation Database March 6, 2019, v2.1.1). The variant was observed in the European (non-Finnish) population in 9 of 128956 chromosomes (freq: 0.00007), but was not observed in the African, Latino, Ashkenazi Jewish, East Asian, European (Finnish), Other, or South Asian populations. The p.Pro479 residue is conserved in mammals but not in more distantly related organisms however computational analyses (PolyPhen-2, SIFT, AlignGVGD, BLOSUM, MutationTaster) do not suggest a high likelihood of impact to the protein; this information is not predictive enough to rule out pathogenicity. The variant occurs outside of the splicing consensus sequence and in silico or computational prediction software programs (SpliceSiteFinder, MaxEntScan, NNSPLICE, GeneSplicer) do not predict a difference in splicing. In summary, based on the above information the clinical significance of this variant cannot be determined with certainty at this time. This variant is classified as a variant of uncertain significance.

NM_005085.4(NUP214):c.1435C>T (p.Pro479Ser)

Gene: NUP214 (nucleoporin 214; plus strand). Cytogenetic location: 9q34.13.
Variant type: single nucleotide variant.
Coding change: c.1435C>T on transcript NM_005085.4 (MANE Select); coding-DNA position 1435, C replaced by T.
Protein change: p.Pro479Ser; replaces proline 479 with serine.
Molecular consequence: missense variant.
Genome position (GRCh38, 1-based): chr9:131,144,420, C>T. VCF-style: chr9-131144420-C-T. GRCh37 (hg19) VCF-style: chr9-134019807-C-T.
Other names: c.1435C>T (NM_005085.2); c.1435C>T, p.Pro479Ser (NM_001318324.2); short protein forms P479S.
Identifiers: ClinVar variation 1050200 (VCV001050200.2), dbSNP rs148833862, ClinGen allele CA5289005.